The following is an entry in ClinVar:

ClinVar aggregate classification (germline): Uncertain significance (1 of 4 stars; one submission).

gnomAD v4.1: 2 of 1,569,334 alleles (0.00013%); highest among the groups gnomAD compares: African/African-American, 0.0014%; no homozygotes.

Submission:

Labcorp Genetics (formerly Invitae), Labcorp
Classification: Uncertain significance. Last evaluated: 2023-05-16. Review status: criteria provided, single submitter. Criteria: Invitae Variant Classification Sherloc (09022015). Collection method: clinical testing. Allele origin: germline.
Comment: In summary, the available evidence is currently insufficient to determine the role of this variant in disease. Therefore, it has been classified as a Variant of Uncertain Significance. Variants that disrupt the consensus splice site are a relatively common cause of aberrant splicing (PMID: 17576681, 9536098). Algorithms developed to predict the effect of sequence changes on RNA splicing suggest that this variant is not likely to affect RNA splicing. This variant has not been reported in the literature in individuals affected with NALCN-related conditions. This variant is not present in population databases (gnomAD no frequency). This sequence change falls in intron 15 of the NALCN gene. It does not directly change the encoded amino acid sequence of the NALCN protein. It affects a nucleotide within the consensus splice site.

Literature cited by the submitters: PubMed 17576681; PubMed 9536098.

NM_052867.4(NALCN):c.1839+6T>C

Gene: NALCN (sodium leak channel, non-selective; minus strand). Cytogenetic location: 13q33.1.
Variant type: single nucleotide variant.
Coding change: c.1839+6T>C on transcript NM_052867.4 (MANE Select); 6 bases into the intron after coding-DNA position 1839, T replaced by C.
Molecular consequence: intron variant.
Genome position (GRCh38, 1-based): chr13:101,176,294, A>G on the plus strand (T>C on the coding strand, the complement: NALCN is on the minus strand). VCF-style: chr13-101176294-A-G. GRCh37 (hg19) VCF-style: chr13-101828645-A-G.
Other names: c.1752+6T>C (NM_001350751.2, NM_001350750.2); c.1839+6T>C (NM_001350749.2, NM_001350748.2).
Identifiers: ClinVar variation 3011182 (VCV003011182.3), dbSNP rs2502667296, ClinGen allele CA2623581587.
Genomic context (GRCh38, chr13:101,176,294, plus strand): 5'-TATAAGCAAATGGTTTGCCCCTGGTTTTTTGTCCTTTTTAAAAAAAATCCCCCACACACT[A>G]CTTACTTGTTTAAGCTTCTTTAGGTCTTCATCAAGTTCTAAGTTGTCCAAAATAACAGCA-3'